The following is an entry in ClinVar:

NM_058179.4(PSAT1):c.334G>A (p.Ala112Thr)

Gene: PSAT1 (phosphoserine aminotransferase 1; plus strand). Cytogenetic location: 9q21.2.
Variant type: single nucleotide variant.
Coding change: c.334G>A on transcript NM_058179.4 (MANE Select); coding-DNA position 334, G replaced by A.
Protein change: p.Ala112Thr; replaces alanine 112 with threonine.
Molecular consequence: missense variant.
Genome position (GRCh38, 1-based): chr9:78,304,877, G>A. VCF-style: chr9-78304877-G-A. GRCh37 (hg19) VCF-style: chr9-80919793-G-A.
Other names: c.334G>A, p.Ala112Thr (NM_021154.5); short protein forms A112T.
Identifiers: ClinVar variation 936099 (VCV000936099.9), dbSNP rs753859574, ClinGen allele CA5095583.

ClinVar aggregate classification (germline): Uncertain significance. Review status: criteria provided, single submitter (1 of 4 stars). 2 submissions from 2 submitters: Uncertain significance (1). 1 of the submissions does not count toward it. Last evaluated 2021-09-01.

Conditions:
Neu-Laxova syndrome 2. Identifiers: Orphanet 2671, Orphanet 583602, MedGen C4015019, MONDO:0014466, OMIM 616038.

Allele frequency attached by ClinVar (database versions not stated): TOPMed 0.00001; 1000 Genomes Project 30x 0.00016.
gnomAD v4.1: 28 of 1,613,904 alleles (0.0017%); highest among the groups gnomAD compares: South Asian, 0.021%; 1 homozygote.

Submissions (2):

Labcorp Genetics (formerly Invitae), Labcorp
Classification: Uncertain significance for Neu-Laxova syndrome 2. Last evaluated: 2021-09-01. Review status: criteria provided, single submitter. Criteria: Invitae Variant Classification Sherloc (09022015). Collection method: clinical testing. Allele origin: germline.
Comment: This sequence change replaces alanine with threonine at codon 112 of the PSAT1 protein (p.Ala112Thr). The alanine residue is highly conserved and there is a small physicochemical difference between alanine and threonine. This variant is present in population databases (rs753859574, ExAC 0.006%). This variant has not been reported in the literature in individuals affected with PSAT1-related conditions. Algorithms developed to predict the effect of missense changes on protein structure and function are either unavailable or do not agree on the potential impact of this missense change (SIFT: "Tolerated"; PolyPhen-2: "Probably Damaging"; Align-GVGD: "Class C0"). In summary, the available evidence is currently insufficient to determine the role of this variant in disease. Therefore, it has been classified as a Variant of Uncertain Significance.

Dudley Research Group, Pacific Northwest Research Institute
No classification provided. Review status: no classification provided. Collection method: research, in vivo. Allele origin: unknown, not applicable. Functional consequence: function_uncertain_variant. Not counted in ClinVar's aggregate classification.